The following is an entry in ClinVar:

NM_001278512.2(AP3B2):c.2189C>G (p.Ser730Cys)

Genes: AP3B2 (adaptor related protein complex 3 subunit beta 2; minus strand), CPEB1-AS1 (CPEB1 antisense RNA 1; plus strand). Cytogenetic location: 15q25.2.
Variant type: single nucleotide variant.
Coding change: c.2189C>G on transcript NM_001278512.2 (MANE Select); coding-DNA position 2189, C replaced by G.
Protein change: p.Ser730Cys; replaces serine 730 with cysteine.
Molecular consequence: missense variant.
Genome position (GRCh38, 1-based): chr15:82,664,439, G>C on the plus strand (C>G on the coding strand, the complement: AP3B2 is on the minus strand). VCF-style: chr15-82664439-G-C. GRCh37 (hg19) VCF-style: chr15-83333191-G-C.
Other names: c.2036C>G, p.Ser679Cys (NM_001278511.2); c.2132C>G, p.Ser711Cys (NM_004644.5); short protein forms S711C, S679C, S730C.
Identifiers: ClinVar variation 1439260 (VCV001439260.28), dbSNP rs761544331, ClinGen allele CA7699987.

ClinVar aggregate classification (germline): Uncertain significance. Review status: criteria provided, multiple submitters, no conflicts (2 of 4 stars). 2 submissions from 2 submitters: Uncertain significance (2). Last evaluated 2023-09-01.

Allele frequency attached by ClinVar (database versions not stated): gnomAD exomes 0.00001; ExAC 0.00002.
gnomAD v4.1: 19 of 1,613,868 alleles (0.0012%); highest among the groups gnomAD compares: Middle Eastern, 0.033%; no homozygotes.

Submissions (2):

CeGaT Center for Human Genetics Tuebingen
Classification: Uncertain significance. Last evaluated: 2023-09-01. Review status: criteria provided, single submitter. Criteria: CeGaT Center For Human Genetics Tuebingen Variant Classification Criteria Version 2. Collection method: clinical testing. Allele origin: germline. Affected: yes. Observed: 1 variant allele.
Comment: AP3B2: PM2, PM3:Supporting

Labcorp Genetics (formerly Invitae), Labcorp
Classification: Uncertain significance. Last evaluated: 2022-08-31. Review status: criteria provided, single submitter. Criteria: Invitae Variant Classification Sherloc (09022015). Collection method: clinical testing. Allele origin: germline.
Comment: This sequence change replaces serine, which is neutral and polar, with cysteine, which is neutral and slightly polar, at codon 711 of the AP3B2 protein (p.Ser711Cys). This variant is present in population databases (rs761544331, gnomAD 0.003%). This variant has not been reported in the literature in individuals affected with AP3B2-related conditions. ClinVar contains an entry for this variant (Variation ID: 1439260). Algorithms developed to predict the effect of missense changes on protein structure and function are either unavailable or do not agree on the potential impact of this missense change (SIFT: "Deleterious"; PolyPhen-2: "Possibly Damaging"; Align-GVGD: "Class C0"). In summary, the available evidence is currently insufficient to determine the role of this variant in disease. Therefore, it has been classified as a Variant of Uncertain Significance.